The following is an entry in ClinVar:

ClinVar aggregate classification (germline): Likely benign (1 of 4 stars; one submission).

Conditions:
Fanconi anemia complementation group C (FANCC). Also called: FANCONI PANCYTOPENIA, TYPE 3; FACC; FANCC-Related Fanconi Anemia; Fanconi anemia, group C. Identifiers: Orphanet 84, MedGen C3468041, MONDO:0009213, OMIM 227645.

Allele frequency attached by ClinVar (database versions not stated): TOPMed 0.00005; 1000 Genomes Project 0.00060; 1000 Genomes Project 30x 0.00062.
gnomAD v4.1: 148 of 230,274 alleles (0.064%); highest among the groups gnomAD compares: East Asian, 0.75%; no homozygotes.

Submission:

Illumina Laboratory Services, Illumina
Classification: Likely benign for Fanconi anemia complementation group C. Last evaluated: 2018-01-13. Review status: criteria provided, single submitter. Criteria: ICSL Variant Classification Criteria 13 December 2019. Collection method: clinical testing. Allele origin: germline.
Comment: This variant was observed in the ICSL laboratory as part of a predisposition screen in an ostensibly healthy population. It had not been previously curated by ICSL or reported in the Human Gene Mutation Database (HGMD: prior to June 1st, 2018), and was therefore a candidate for classification through an automated scoring system. Utilizing variant allele frequency, disease prevalence and penetrance estimates, and inheritance mode, an automated score was calculated to assess if this variant is too frequent to cause the disease. Based on the score and internal cut-off values, a variant classified as likely benign is not then subjected to further curation. The score for this variant resulted in a classification of likely benign for this disease.

NM_000136.3(FANCC):c.*2164G>A

Genes: FANCC (FA complementation group C; minus strand), AOPEP (aminopeptidase O (putative); plus strand). Cytogenetic location: 9q22.32.
Variant type: single nucleotide variant.
Coding change: c.*2164G>A on transcript NM_000136.3 (MANE Select); 2164 bases downstream of the stop codon, G replaced by A.
Molecular consequence: 3 prime UTR variant.
Genome position (GRCh38, 1-based): chr9:95,099,543, C>T on the plus strand (G>A on the coding strand, the complement: FANCC is on the minus strand). VCF-style: chr9-95099543-C-T. GRCh37 (hg19) VCF-style: chr9-97861825-C-T.
Other names: c.*2164G>A (NM_001243743.2).
Identifiers: ClinVar variation 913943 (VCV000913943.4), dbSNP rs566582636, ClinGen allele CA196535093.